The following is an entry in ClinVar:

ClinVar aggregate classification (germline): Pathogenic (1 of 4 stars; one submission).

Conditions:
46 XY differences of sex development. Also called: 46, XY disorder of sex development (DSD); 46,XY disorder of sex development. Identifiers: Orphanet 98085, MedGen C2751824, MONDO:0020040.
Oligosynaptic infertility (SPGF1). Also called: SPERMATOGENIC FAILURE 1; OLIGOCHIASMATIC INFERTILITY. Identifiers: MedGen C0403810, MONDO:0009776, OMIM 258150.

Submission:

Labcorp Genetics (formerly Invitae), Labcorp
Classification: Pathogenic for 46 XY differences of sex development; Oligosynaptic infertility. Last evaluated: 2024-03-29. Review status: criteria provided, single submitter. Criteria: Invitae Variant Classification Sherloc (09022015). Collection method: clinical testing. Allele origin: germline.
Comment: This sequence change creates a premature translational stop signal (p.Phe262Serfs*32) in the NR5A1 gene. It is expected to result in an absent or disrupted protein product. Loss-of-function variants in NR5A1 are known to be pathogenic (PMID: 10369247, 12907682, 19246354). This variant is not present in population databases (gnomAD no frequency). This variant has not been reported in the literature in individuals affected with NR5A1-related conditions. For these reasons, this variant has been classified as Pathogenic.

Literature cited by the submitters: PubMed 10369247; PubMed 12907682; PubMed 19246354.

NM_004959.5(NR5A1):c.785_791del (p.Phe262fs)

Gene: NR5A1 (nuclear receptor subfamily 5 group A member 1; minus strand). Cytogenetic location: 9q33.3.
Variant type: Deletion.
Coding change: c.785_791del on transcript NM_004959.5 (MANE Select); coding-DNA positions 785 to 791, 7 bases deleted (TCGGCCT; older notation c.785_791delTCGGCCT).
Protein change: p.Phe262fs; shifts the reading frame from phenylalanine 262.
Molecular consequence: frameshift variant.
Genome position (GRCh38, 1-based): chr9:124,500,169-124,500,175, AGGCCGA deleted on the plus strand (TCGGCCT on the coding strand, the reverse complement: NR5A1 is on the minus strand); deleting any 7 consecutive bases within chr9:124,500,169-124,500,181 gives the same sequence; the c. name uses the placement nearest the transcript's 3' end. VCF-style (leftmost placement, unchanged base first): chr9-124500168-GAGGCCGA-G. GRCh37 (hg19) VCF-style: chr9-127262447-GAGGCCGA-G.
Other names: short protein forms F262fs.
Identifiers: ClinVar variation 3755587 (VCV003755587.2).